The following is an entry in ClinVar:

NM_003114.5(SPAG1):c.1338C>G (p.Ala446=)

Genes: SPAG1 (sperm associated antigen 1; plus strand), LOC130000832 (ATAC-STARR-seq lymphoblastoid silent region 19412; plus strand). Cytogenetic location: 8q22.2.
Variant type: single nucleotide variant.
Coding change: c.1338C>G on transcript NM_003114.5 (MANE Select); coding-DNA position 1338, C replaced by G.
Protein change: p.Ala446=; no amino-acid change (alanine 446 retained).
Molecular consequence: synonymous variant.
Genome position (GRCh38, 1-based): chr8:100,213,331, C>G. VCF-style: chr8-100213331-C-G. GRCh37 (hg19) VCF-style: chr8-101225559-C-G.
Other names: p.Ala446=; c.1338C>G, p.Ala446= (NM_001374321.1, NM_172218.3).
Identifiers: ClinVar variation 262801 (VCV000262801.22), dbSNP rs2514681, ClinGen allele CA4827478.

ClinVar aggregate classification (germline): Benign/Likely benign. Review status: criteria provided, multiple submitters, no conflicts (2 of 4 stars). 9 submissions from 9 submitters: Benign (8); Likely benign (1). Last evaluated 2026-02-04.

Conditions:
Primary ciliary dyskinesia 28. Also called: CILIARY DYSKINESIA, PRIMARY, 28, WITH OR WITHOUT SITUS INVERSUS. Identifiers: Orphanet 244, MedGen C3809706, MONDO:0014216, OMIM 615505.
Primary ciliary dyskinesia. Also called: Ciliary dyskinesia. Identifiers: Orphanet 244, MedGen C0008780, MONDO:0016575, HP:0012265.

Allele frequency attached by ClinVar (database versions not stated): 1000 Genomes Project 30x 0.33635; TOPMed 0.33726; 1000 Genomes Project 0.34205; ExAC 0.53285.
gnomAD v4.1: 469,133 of 1,311,082 alleles (36%); highest among the groups gnomAD compares: East Asian, 50%; 85,679 homozygotes.

Submissions (9):

Labcorp Genetics (formerly Invitae), Labcorp
Classification: Benign for Primary ciliary dyskinesia 28. Last evaluated: 2026-02-04. Review status: criteria provided, single submitter. Criteria: Invitae Variant Classification Sherloc (09022015). Collection method: clinical testing. Allele origin: germline.

Blueprint Genetics
Classification: Likely benign. Last evaluated: 2024-11-27. Review status: criteria provided, single submitter. Criteria: ACMG Guidelines, 2015. Collection method: clinical testing. Allele origin: germline.

Mayo Clinic Laboratories, Mayo Clinic
Classification: Benign. Last evaluated: 2022-04-26. Review status: criteria provided, single submitter. Criteria: ACMG Guidelines, 2015. Collection method: clinical testing. Allele origin: germline. Observed: 115 variant alleles.

Genome-Nilou Lab
Classification: Benign for Primary ciliary dyskinesia 28. Last evaluated: 2021-07-15. Review status: criteria provided, single submitter. Criteria: ACMG Guidelines, 2015. Collection method: clinical testing. Allele origin: germline. Affected: no.

GeneDx
Classification: Benign. Last evaluated: 2018-12-19. Review status: criteria provided, single submitter. Criteria: GeneDx Variant Classification Process June 2021. Collection method: clinical testing. Allele origin: germline. Affected: yes.

Ambry Genetics
Classification: Benign for Primary ciliary dyskinesia. Last evaluated: 2016-07-07. Review status: criteria provided, single submitter. Criteria: Ambry Variant Classification Scheme 2023. Collection method: clinical testing. Allele origin: germline.

Laboratory for Molecular Medicine, Mass General Brigham Personalized Medicine
Classification: Benign. Last evaluated: 2016-03-28. Review status: criteria provided, single submitter. Criteria: LMM Criteria. Collection method: clinical testing. Allele origin: germline.
Comment: Variant identified in a genome or exome case(s) and assessed due to predicted null impact of the variant or pathogenic assertions in the literature or databases. Disclaimer: This variant has not undergone full assessment. The following are preliminary notes: Frequency

Breakthrough Genomics
Classification: Benign. Review status: criteria provided, single submitter. Criteria: ACMG Guidelines, 2015. Collection method: not provided. Allele origin: germline. Inheritance: Autosomal recessive inheritance. Affected: yes.

PreventionGenetics, part of Exact Sciences
Classification: Benign. Review status: criteria provided, single submitter. Criteria: ACMG Guidelines, 2015. Collection method: clinical testing. Allele origin: germline.